The following is an entry in ClinVar:

NC_000009.12:g.(?_127825214)_(127826683_?)del

Gene: ENG (endoglin; minus strand). Cytogenetic location: 9q34.11.
Variant type: Deletion.
Identifiers: ClinVar variation 833416 (VCV000833416.9).

ClinVar aggregate classification (germline): Pathogenic (1 of 4 stars; one submission).

Conditions:
Hereditary hemorrhagic telangiectasia (HHT). Also called: ORW DISEASE; Osler Weber Rendu syndrome; OSLER-RENDU-WEBER DISEASE; Osler hemorrhagic telangiectasia syndrome. Identifiers: Orphanet 774, MedGen C0039445, MONDO:0019180. Disease mechanism: loss of function.

Submission:

Labcorp Genetics (formerly Invitae), Labcorp
Classification: Pathogenic for Hereditary hemorrhagic telangiectasia. Last evaluated: 2019-06-05. Review status: criteria provided, single submitter. Criteria: Invitae Variant Classification Sherloc (09022015). Collection method: clinical testing. Allele origin: germline.
Comment: This variant is an in-frame deletion of the genomic region encompassing exons 4-6 of the ENG gene. It preserves the integrity of the reading frame. This variant has been observed in a family affected with hereditary hemorrhagic telangiectasia (Invitae). Experimental studies and prediction algorithms are not available for this variant, and the functional significance of the affected amino acid(s) is currently unknown. This variant disrupts the p.Leu221 amino acid residue in ENG. Other variant(s) that disrupt this residue have been determined to be pathogenic (PMID: 10545596, 22991266, 15880681, 15712270, 11440987, 21158752, 16690726, 18498373). This suggests that this residue is clinically significant, and that variants that disrupt this residue are likely to be disease-causing. For these reasons, this variant has been classified as Pathogenic.

Literature cited by the submitters: PubMed 10545596; PubMed 22991266; PubMed 15880681; PubMed 15712270; PubMed 11440987; PubMed 21158752; PubMed 16690726; PubMed 18498373.